The following is an entry in ClinVar:

ClinVar aggregate classification (germline): Likely benign (1 of 4 stars; one submission).

Allele frequency attached by ClinVar (database versions not stated): gnomAD 0.00001 and 0.00002; gnomAD exomes 0.00001 and 0.00002; ExAC 0.00002; TOPMed 0.00003; ESP Exome Variant Server 0.00008; 1000 Genomes Project 30x 0.00016; 1000 Genomes Project 0.00020.
gnomAD v4.1: 25 of 1,601,676 alleles (0.0016%); highest among the groups gnomAD compares: African/African-American, 0.0053%; no homozygotes.

Submission:

GeneDx
Classification: Likely benign. Last evaluated: 2018-05-09. Review status: criteria provided, single submitter. Criteria: GeneDx Variant Classification (06012015). Collection method: clinical testing. Allele origin: germline. Affected: yes.
Comment: This variant is considered likely benign or benign based on one or more of the following criteria: it is a conservative change, it occurs at a poorly conserved position in the protein, it is predicted to be benign by multiple in silico algorithms, and/or has population frequency not consistent with disease.

NM_001080437.3(SNED1):c.4034-5C>T

Genes: SNED1 (sushi, nidogen and EGF like domains 1; plus strand), MTERF4 (mitochondrial transcription termination factor 4; minus strand). Cytogenetic location: 2q37.3.
Variant type: single nucleotide variant.
Coding change: c.4034-5C>T on transcript NM_001080437.3 (MANE Select); 5 bases into the intron before coding-DNA position 4034, C replaced by T.
Molecular consequence: intron variant.
Genome position (GRCh38, 1-based): chr2:241,082,272, C>T. VCF-style: chr2-241082272-C-T. GRCh37 (hg19) VCF-style: chr2-242021687-C-T.
Identifiers: ClinVar variation 682405 (VCV000682405.1), dbSNP rs376157092, ClinGen allele CA2212043.